The following is an entry in ClinVar:

ClinVar aggregate classification (germline): Uncertain significance. Review status: criteria provided, multiple submitters, no conflicts (2 of 4 stars). 2 submissions from 2 submitters: Uncertain significance (2). Last evaluated 2022-12-21.

Conditions:
Cardiovascular phenotype. Identifiers: MedGen CN230736.
Hereditary cancer-predisposing syndrome. Also called: Hereditary neoplastic syndrome; Tumor predisposition; Hereditary Cancer Syndrome; Neoplastic Syndromes, Hereditary. Identifiers: Orphanet 140162, MedGen C0027672, MeSH D009386, MONDO:0015356.
Neurofibromatosis, type 1 (NF1). Also called: VON RECKLINGHAUSEN DISEASE; NEUROFIBROMATOSIS, TYPE I, SOMATIC; Neurofibromatosis, type I; Peripheral type neurofibromatosis. Identifiers: Orphanet 636, MedGen C0027831, MONDO:0018975, OMIM 162200. Disease mechanism: loss of function.

Submissions (2):

Ambry Genetics
Classification: Uncertain significance for Cardiovascular phenotype; Hereditary cancer-predisposing syndrome. Last evaluated: 2022-12-21. Review status: criteria provided, single submitter. Criteria: Ambry Variant Classification Scheme 2023. Collection method: clinical testing. Allele origin: germline.
Comment: The c.5750-3C>T intronic variant results from a C to T substitution 3 nucleotides before coding exon 39 in the NF1 gene. This nucleotide position is well conserved in available vertebrate species. In silico splice site analysis predicts that this alteration will not have any significant effect on splicing. Since supporting evidence is limited at this time, the clinical significance of this alteration remains unclear.

Labcorp Genetics (formerly Invitae), Labcorp
Classification: Uncertain significance for Neurofibromatosis, type 1. Last evaluated: 2021-09-15. Review status: criteria provided, single submitter. Criteria: Invitae Variant Classification Sherloc (09022015). Collection method: clinical testing. Allele origin: germline.
Comment: In summary, the available evidence is currently insufficient to determine the role of this variant in disease. Therefore, it has been classified as a Variant of Uncertain Significance. This sequence change falls in intron 38 of the NF1 gene. It does not directly change the encoded amino acid sequence of the NF1 protein. It affects a nucleotide within the consensus splice site of the intron. This variant is not present in population databases (ExAC no frequency). This variant has not been reported in the literature in individuals affected with NF1-related conditions. Variants that disrupt the consensus splice site are a relatively common cause of aberrant splicing (PMID: 17576681, 9536098). Algorithms developed to predict the effect of sequence changes on RNA splicing suggest that this variant is not likely to affect RNA splicing.

Literature cited by the submitters: PubMed 17576681 (cited by Labcorp Genetics (formerly Invitae), Labcorp); PubMed 9536098 (cited by Labcorp Genetics (formerly Invitae), Labcorp).

NM_001042492.3(NF1):c.5813-3C>T

Gene: NF1 (neurofibromin 1; plus strand). Cytogenetic location: 17q11.2.
Variant type: single nucleotide variant.
Coding change: c.5813-3C>T on transcript NM_001042492.3 (MANE Select); 3 bases into the intron before coding-DNA position 5813, C replaced by T.
Molecular consequence: intron variant.
Genome position (GRCh38, 1-based): chr17:31,334,835, C>T. VCF-style: chr17-31334835-C-T. GRCh37 (hg19) VCF-style: chr17-29661853-C-T.
Other names: c.5750-3C>T (NM_000267.4).
Identifiers: ClinVar variation 1430035 (VCV001430035.7), dbSNP rs2151550224, ClinGen allele CA2573153441.
Genomic context (GRCh38, chr17:31,334,835, plus strand): 5'-GTTAAATAATTGTTGATGTGATTTTCATTGACCATCACATGCTAATAGTGTATTTTTTTC[C>T]AGGTATTGAATTGAAACACCTTTGTTTGGAATACATGACTCCATGGCTGTCAAATCTAGT-3'